The following is an entry in ClinVar:

ClinVar aggregate classification (germline): Pathogenic. Review status: criteria provided, multiple submitters, no conflicts (2 of 4 stars). 2 submissions from 2 submitters: Pathogenic (2). Last evaluated 2024-05-14.

Conditions:
Primary ciliary dyskinesia 3. Identifiers: Orphanet 244, MedGen C1837618, MONDO:0012085, OMIM 608644.
Primary ciliary dyskinesia. Also called: Ciliary dyskinesia. Identifiers: Orphanet 244, MedGen C0008780, MONDO:0016575, HP:0012265.

Submissions (2):

Myriad Genetics, Inc.
Classification: Pathogenic for Primary ciliary dyskinesia 3. Last evaluated: 2024-05-14. Review status: criteria provided, single submitter. Criteria: Myriad Autosomal Dominant, Autosomal Recessive and X-Linked Classification Criteria (2023). Collection method: clinical testing. Allele origin: unknown.
Comment: NM_001369.2(DNAH5):c.12813G>A(W4271*) is expected to be pathogenic in the context of primary ciliary dyskinesia, DNAH5-related. This variant is predicted to lead to an abnormal or absent protein product due to the creation of a premature termination codon in DNAH5, a gene where loss-of-function variants are known to be pathogenic. Please note: this variant was assessed in the context of healthy population screening.

Labcorp Genetics (formerly Invitae), Labcorp
Classification: Pathogenic for Primary ciliary dyskinesia. Last evaluated: 2019-04-10. Review status: criteria provided, single submitter. Criteria: Invitae Variant Classification Sherloc (09022015). Collection method: clinical testing. Allele origin: germline.
Comment: This sequence change creates a premature translational stop signal (p.Trp4271*) in the DNAH5 gene. It is expected to result in an absent or disrupted protein product. This variant is not present in population databases (ExAC no frequency). This variant has not been reported in the literature in individuals with DNAH5-related conditions. Loss-of-function variants in DNAH5 are known to be pathogenic (PMID: 11788826, 16627867). For these reasons, this variant has been classified as Pathogenic.

Literature cited by the submitters: PubMed 11788826 (cited by Labcorp Genetics (formerly Invitae), Labcorp); PubMed 16627867 (cited by Labcorp Genetics (formerly Invitae), Labcorp).

NM_001369.3(DNAH5):c.12813G>A (p.Trp4271Ter)

Gene: DNAH5 (dynein axonemal heavy chain 5; minus strand). Cytogenetic location: 5p15.2.
Variant type: single nucleotide variant.
Coding change: c.12813G>A on transcript NM_001369.3 (MANE Select); coding-DNA position 12813, G replaced by A.
Protein change: p.Trp4271Ter; replaces tryptophan 4271 with a stop codon.
Molecular consequence: nonsense.
Genome position (GRCh38, 1-based): chr5:13,716,583, C>T on the plus strand (G>A on the coding strand, the complement: DNAH5 is on the minus strand). VCF-style: chr5-13716583-C-T. GRCh37 (hg19) VCF-style: chr5-13716692-C-T.
Other names: short protein forms W4271*.
Identifiers: ClinVar variation 948603 (VCV000948603.9), dbSNP rs763259925, ClinGen allele CA359204006.